The following is an entry in ClinVar:

ClinVar aggregate classification (germline): Pathogenic (0 of 4 stars; one submission).

Conditions:
PORCN-related disorder. Also called: PORCN-related condition.

Submission:

PreventionGenetics, part of Exact Sciences
Classification: Pathogenic for PORCN-related condition. Last evaluated: 2024-06-19. Review status: no assertion criteria provided. Collection method: clinical testing. Allele origin: germline.
Comment: The PORCN c.571C>T variant is predicted to result in premature protein termination (p.Gln191*). This variant has not been reported in a large population database, indicating this variant is rare. Nonsense variants in PORCN are expected to be pathogenic. This variant is interpreted as pathogenic.

NM_203475.3(PORCN):c.571C>T (p.Gln191Ter)

Gene: PORCN (porcupine O-acyltransferase; plus strand). Cytogenetic location: Xp11.23.
Variant type: single nucleotide variant.
Coding change: c.571C>T on transcript NM_203475.3 (MANE Select); coding-DNA position 571, C replaced by T.
Protein change: p.Gln191Ter; replaces glutamine 191 with a stop codon.
Molecular consequence: nonsense.
Genome position (GRCh38, 1-based): chrX:48,512,604, C>T. VCF-style: chrX-48512604-C-T. GRCh37 (hg19) VCF-style: chrX-48370992-C-T.
Other names: c.358C>T, p.Gln120Ter (NM_001282167.2); c.571C>T, p.Gln191Ter (NM_022825.4, NM_203473.3, NM_203474.1); short protein forms Q120*, Q191*.
Identifiers: ClinVar variation 3345773 (VCV003345773.1).